The following is an entry in ClinVar:

NM_025137.4(SPG11):c.4798dup (p.Asp1600fs)

Gene: SPG11 (SPG11 vesicle trafficking associated, spatacsin; minus strand). Cytogenetic location: 15q21.1.
Variant type: Duplication.
Coding change: c.4798dup on transcript NM_025137.4 (MANE Select); coding-DNA position 4798, one base duplicated (G; older notation c.4798dupG).
Protein change: p.Asp1600fs; shifts the reading frame from aspartic acid 1600.
Molecular consequence: frameshift variant.
Genome position (GRCh38, 1-based): chr15:44,589,360, C duplicated on the plus strand (G on the coding strand, the reverse complement: SPG11 is on the minus strand); the first of 2 consecutive C bases (chr15:44,589,360-44,589,361); duplicating either gives the same sequence. VCF-style (leftmost placement, unchanged base first): chr15-44589359-T-TC. GRCh37 (hg19) VCF-style: chr15-44881557-T-TC.
Other names: c.4798dup, p.Asp1600fs (NM_001160227.2); c.4797dup, p.Asp1600Glyfs (NM_001411132.1); short protein forms D1600fs.
Identifiers: ClinVar variation 2159082 (VCV002159082.4), dbSNP rs1168371801, ClinGen allele CA617678005.
Genomic context (GRCh38, chr15:44,589,359, plus strand): 5'-CCCAGCTCATACTGGGTCTTACACTGCTGTAGCATAAGCTTCAAAAGGAAACACACCTGA[T>TC]CCTCCAGCCACATGGCAGGGATGACAGGGTGGACCTTTGTGGCTGCTGTGTTAAGCTATG-3'

ClinVar aggregate classification (germline): Pathogenic (1 of 4 stars; one submission).

Conditions:
Hereditary spastic paraplegia 11. Also called: Spastic paraplegia, mental retardation and thin corpus callosum; Nakamura Osame syndrome; Autosomal recessive hereditary spastic paraplegia, mental impairment, and thin corpus callosum; SPASTIC PARAPLEGIA, AUTOSOMAL RECESSIVE, COMPLICATED, WITH THIN CORPUS CALLOSUM; SPASTIC PARAPLEGIA, AUTOSOMAL RECESSIVE, WITH MENTAL IMPAIRMENT AND THIN CORPUS CALLOSUM; Spastic Paraplegia 11. Identifiers: Orphanet 2822, MedGen C1858479, MONDO:0011445, OMIM 604360.

Submission:

Labcorp Genetics (formerly Invitae), Labcorp
Classification: Pathogenic for Hereditary spastic paraplegia 11. Last evaluated: 2022-02-24. Review status: criteria provided, single submitter. Criteria: Invitae Variant Classification Sherloc (09022015). Collection method: clinical testing. Allele origin: germline.
Comment: This variant is present in population databases (no rsID available, gnomAD 0.01%). This sequence change creates a premature translational stop signal (p.Asp1600Glyfs*15) in the SPG11 gene. It is expected to result in an absent or disrupted protein product. Loss-of-function variants in SPG11 are known to be pathogenic (PMID: 19105190, 20110243, 22154821, 26556829). This variant has not been reported in the literature in individuals affected with SPG11-related conditions. For these reasons, this variant has been classified as Pathogenic.

Literature cited by the submitters: PubMed 19105190; PubMed 20110243; PubMed 22154821; PubMed 26556829.